The following is an entry in ClinVar:

NM_003801.4(GPAA1):c.1621C>T (p.Arg541Trp)

Gene: GPAA1 (glycosylphosphatidylinositol anchor attachment 1; plus strand). Cytogenetic location: 8q24.3.
Variant type: single nucleotide variant.
Coding change: c.1621C>T on transcript NM_003801.4 (MANE Select); coding-DNA position 1621, C replaced by T.
Protein change: p.Arg541Trp; replaces arginine 541 with tryptophan.
Molecular consequence: missense variant.
Genome position (GRCh38, 1-based): chr8:144,085,742, C>T. VCF-style: chr8-144085742-C-T. GRCh37 (hg19) VCF-style: chr8-145140645-C-T.
Other names: short protein forms R541W.
Identifiers: ClinVar variation 1710053 (VCV001710053.2), dbSNP rs1835986361, ClinGen allele CA372507417.
Genomic context (GRCh38, chr8:144,085,742, plus strand): 5'-GGCTTCCTGCTGGCCACCACCATGGTGCCCACTGCTGCGCTTGCCAAGCCTCATGGGCCC[C>T]GGTATGTATGGATCAGCCCCACTTCCCCCAATGCCTGTGCCCTCATCACAGACCGCACCC-3'
Protein context (NP_003792.1, residues 531-551): TAALAKPHGP[Arg541Trp]TLYAALLVLT

ClinVar aggregate classification (germline): Uncertain significance (1 of 4 stars; one submission).

Conditions:
Glycosylphosphatidylinositol biosynthesis defect 15. Also called: DEVELOPMENTAL DELAY, EPILEPSY, CEREBELLAR ATROPHY, AND OSTEOPENIA. Identifiers: Orphanet 529665, MedGen C4540520, MONDO:0060627, OMIM 617810.

Allele frequency attached by ClinVar (database versions not stated): TOPMed below 0.00001; gnomAD 0.00001; gnomAD exomes 0.00001.

Submission:

MGZ Medical Genetics Center
Classification: Uncertain significance for Glycosylphosphatidylinositol biosynthesis defect 15. Last evaluated: 2021-11-09. Review status: criteria provided, single submitter. Criteria: ACMG Guidelines, 2015. Collection method: clinical testing. Allele origin: germline. Affected: yes. Observed: 1 variant allele.
Comment: ACMG criteria applied: PM2_SUP